The following is an entry in ClinVar:

NM_001130438.3(SPTAN1):c.3565G>A (p.Ala1189Thr)

Gene: SPTAN1 (spectrin alpha, non-erythrocytic 1; plus strand). Cytogenetic location: 9q34.11.
Variant type: single nucleotide variant.
Coding change: c.3565G>A on transcript NM_001130438.3 (MANE Select); coding-DNA position 3565, G replaced by A.
Protein change: p.Ala1189Thr; replaces alanine 1189 with threonine.
Molecular consequence: missense variant.
Genome position (GRCh38, 1-based): chr9:128,600,101, G>A. VCF-style: chr9-128600101-G-A. GRCh37 (hg19) VCF-style: chr9-131362380-G-A.
Other names: c.3505G>A, p.Ala1169Thr (NM_001195532.2, NM_001363765.2, NM_001375314.2); c.3565G>A, p.Ala1189Thr (NM_001363759.2, NM_001375310.1, NM_001375311.2 and 2 more transcripts); c.3601G>A, p.Ala1201Thr (NM_001375312.2, NM_001375318.1); short protein forms A1169T, A1189T, A1201T.
Identifiers: ClinVar variation 2664615 (VCV002664615.5), dbSNP rs1184414958, ClinGen allele CA375062644.

ClinVar aggregate classification (germline): Uncertain significance. Review status: criteria provided, single submitter (1 of 4 stars). 2 submissions from 2 submitters: Uncertain significance (1). 1 of the submissions does not count toward it. Last evaluated 2024-01-22.

Conditions:
Early-infantile DEE. Also called: Ohtahara syndrome; Early infantile epileptic encephalopathy; Early infantile epileptic encephalopathy with suppression bursts. Identifiers: Orphanet 1934, MedGen C0393706, MONDO:0800491.

Allele frequency attached by ClinVar (database versions not stated): TOPMed below 0.00001.
gnomAD v4.1: 1 of 1,614,228 alleles (0.000062%); highest among the groups gnomAD compares: African/African-American, 0.0013%; no homozygotes.

Submissions (2):

Labcorp Genetics (formerly Invitae), Labcorp
Classification: Uncertain significance for Early-infantile DEE. Last evaluated: 2024-01-22. Review status: criteria provided, single submitter. Criteria: Invitae Variant Classification Sherloc (09022015). Collection method: clinical testing. Allele origin: germline.
Comment: This sequence change replaces alanine, which is neutral and non-polar, with threonine, which is neutral and polar, at codon 1189 of the SPTAN1 protein (p.Ala1189Thr). This variant is not present in population databases (gnomAD no frequency). This variant has not been reported in the literature in individuals affected with SPTAN1-related conditions. Advanced modeling of protein sequence and biophysical properties (such as structural, functional, and spatial information, amino acid conservation, physicochemical variation, residue mobility, and thermodynamic stability) has been performed at Invitae for this missense variant, however the output from this modeling did not meet the statistical confidence thresholds required to predict the impact of this variant on SPTAN1 protein function. In summary, the available evidence is currently insufficient to determine the role of this variant in disease. Therefore, it has been classified as a Variant of Uncertain Significance.

Genetics and Genomic Medicine Centre, NeuroGen Healthcare, NeuroGen Healthcare
Classification: Uncertain significance. Last evaluated: 2021-02-05. Review status: no assertion criteria provided. Collection method: clinical testing. Allele origin: unknown. Affected: yes. Not counted in ClinVar's aggregate classification.